The following is an entry in ClinVar:

NM_006734.4(HIVEP2):c.6564del (p.Asp2189fs)

Gene: HIVEP2 (HIVEP zinc finger 2; minus strand). Cytogenetic location: 6q24.2.
Variant type: Deletion.
Coding change: c.6564del on transcript NM_006734.4 (MANE Select); coding-DNA position 6564, one base deleted (A; older notation c.6564delA).
Protein change: p.Asp2189fs; shifts the reading frame from aspartic acid 2189.
Molecular consequence: frameshift variant.
Genome position (GRCh38, 1-based): chr6:142,753,884, T deleted on the plus strand (A on the coding strand, the reverse complement: HIVEP2 is on the minus strand). VCF-style (leftmost placement, unchanged base first): chr6-142753883-CT-C. GRCh37 (hg19) VCF-style: chr6-143075020-CT-C.
Other names: short protein forms D2189fs.
Identifiers: ClinVar variation 3773658 (VCV003773658.2).
Genomic context (GRCh38, chr6:142,753,883, plus strand): 5'-AGTCATTAGGACCCTCAGGGAAAAGGCTGGAGCCTGGATGTTCATAAGCACCTTCTTGGT[CT>C]CCATAGAGACTGAAGTAAGGAACCTGAGGTAATCCTCTTCTTAAATTCTGCGCAGAGAAA-3'

ClinVar aggregate classification (germline): Likely pathogenic (1 of 4 stars; one submission).

Conditions:
Intellectual developmental disorder, autosomal dominant 43. Also called: Intellectual disability, autosomal dominant 43. Identifiers: MedGen C4707429, MONDO:0014858, OMIM 616977.

Submission:

Institute of Human Genetics, University of Leipzig Medical Center
Classification: Likely pathogenic for Intellectual developmental disorder, autosomal dominant 43. Last evaluated: 2025-03-04. Review status: criteria provided, single submitter. Criteria: ACMG Guidelines, 2015. Collection method: clinical testing. Allele origin: unknown. Inheritance: Autosomal dominant inheritance. Affected: yes.
Comment: Criteria applied: PVS1_STR,PM2